The following is an entry in ClinVar:

NM_000478.6(ALPL):c.699T>A (p.Asp233Glu)

Gene: ALPL (alkaline phosphatase, biomineralization associated; plus strand). Cytogenetic location: 1p36.12.
Variant type: single nucleotide variant.
Coding change: c.699T>A on transcript NM_000478.6 (MANE Select); coding-DNA position 699, T replaced by A.
Protein change: p.Asp233Glu; replaces aspartic acid 233 with glutamic acid.
Molecular consequence: missense variant.
Genome position (GRCh38, 1-based): chr1:21,568,154, T>A. VCF-style: chr1-21568154-T-A. GRCh37 (hg19) VCF-style: chr1-21894647-T-A.
Other names: c.699T>A, p.Asp233Glu (NM_001369803.2, NM_001369804.2, NM_001369805.2); c.534T>A, p.Asp178Glu (NM_001127501.4); c.468T>A, p.Asp156Glu (NM_001177520.3); short protein forms D178E, D156E, D233E.
Identifiers: ClinVar variation 2750169 (VCV002750169.3), dbSNP rs2545317217, ClinGen allele CA338879177.

ClinVar aggregate classification (germline): Uncertain significance (1 of 4 stars; one submission).

Submission:

Labcorp Genetics (formerly Invitae), Labcorp
Classification: Uncertain significance. Last evaluated: 2023-08-04. Review status: criteria provided, single submitter. Criteria: Invitae Variant Classification Sherloc (09022015). Collection method: clinical testing. Allele origin: germline.
Comment: In summary, the available evidence is currently insufficient to determine the role of this variant in disease. Therefore, it has been classified as a Variant of Uncertain Significance. Advanced modeling of protein sequence and biophysical properties (such as structural, functional, and spatial information, amino acid conservation, physicochemical variation, residue mobility, and thermodynamic stability) performed at Invitae indicates that this missense variant is expected to disrupt ALPL protein function. This variant has not been reported in the literature in individuals affected with ALPL-related conditions. This variant is not present in population databases (gnomAD no frequency). This sequence change replaces aspartic acid, which is acidic and polar, with glutamic acid, which is acidic and polar, at codon 233 of the ALPL protein (p.Asp233Glu).